The following is an entry in ClinVar:

ClinVar aggregate classification (germline): Pathogenic (1 of 4 stars; one submission).

Submission:

Labcorp Genetics (formerly Invitae), Labcorp
Classification: Pathogenic. Last evaluated: 2024-01-17. Review status: criteria provided, single submitter. Criteria: Invitae Variant Classification Sherloc (09022015). Collection method: clinical testing. Allele origin: germline.
Comment: This sequence change creates a premature translational stop signal (p.Ser1765Argfs*27) in the CCDC88C gene. While this is not anticipated to result in nonsense mediated decay, it is expected to disrupt the last 264 amino acid(s) of the CCDC88C protein. This variant is not present in population databases (gnomAD no frequency). This variant has not been reported in the literature in individuals affected with CCDC88C-related conditions. This variant disrupts a region of the CCDC88C protein in which other variant(s) (p.Glu1949Glyfs*26) have been determined to be pathogenic (PMID: 23042809). This suggests that this is a clinically significant region of the protein, and that variants that disrupt it are likely to be disease-causing. For these reasons, this variant has been classified as Pathogenic.

Literature cited by the submitters: PubMed 23042809.

NM_001080414.4(CCDC88C):c.5295_5325del (p.Ser1765fs)

Gene: CCDC88C (coiled-coil and HOOK domain protein 88C; minus strand). Cytogenetic location: 14q32.11.
Variant type: Deletion.
Coding change: c.5295_5325del on transcript NM_001080414.4 (MANE Select); coding-DNA positions 5295 to 5325, 31 bases deleted.
Protein change: p.Ser1765fs; shifts the reading frame from serine 1765.
Molecular consequence: frameshift variant.
Genome position (GRCh38, 1-based): chr14:91,273,387-91,273,417, 31 bases deleted; deleting any 31 consecutive bases within chr14:91,273,387-91,273,422 gives the same sequence; the c. name uses the placement nearest the transcript's 3' end. GRCh37 (hg19): chr14:91,739,736-91,739,766.
Other names: short protein forms S1765fs.
Identifiers: ClinVar variation 2709936 (VCV002709936.3), dbSNP rs2544240482, ClinGen allele CA2697554088.